The following is an entry in ClinVar:

NM_016507.4(CDK12):c.1654C>A (p.Pro552Thr)

Gene: CDK12 (cyclin dependent kinase 12; plus strand). Cytogenetic location: 17q12.
Variant type: single nucleotide variant.
Coding change: c.1654C>A on transcript NM_016507.4 (MANE Select); coding-DNA position 1654, C replaced by A.
Protein change: p.Pro552Thr; replaces proline 552 with threonine.
Molecular consequence: missense variant.
Genome position (GRCh38, 1-based): chr17:39,471,486, C>A. VCF-style: chr17-39471486-C-A. GRCh37 (hg19) VCF-style: chr17-37627739-C-A.
Other names: c.1654C>A, p.Pro552Thr (NM_015083.4); short protein forms P552T.
Identifiers: ClinVar variation 3830327 (VCV003830327.1).

ClinVar aggregate classification (germline): Uncertain significance (1 of 4 stars; one submission).

Submission:

Ambry Genetics
Classification: Uncertain significance. Last evaluated: 2024-12-12. Review status: criteria provided, single submitter. Criteria: Ambry Variant Classification Scheme 2023. Collection method: clinical testing. Allele origin: germline.
Comment: The p.P552T variant (also known as c.1654C>A), located in coding exon 2 of the CDK12 gene, results from a C to A substitution at nucleotide position 1654. The proline at codon 552 is replaced by threonine, an amino acid with highly similar properties. This amino acid position is conserved. In addition, the in silico prediction for this alteration is inconclusive. Based on the available evidence, the clinical significance of this variant remains unclear.